The following is an entry in ClinVar:

ClinVar aggregate classification (germline): Uncertain significance (1 of 4 stars; one submission).

Conditions:
Loeys-Dietz syndrome 4 (LDS4). Also called: ANEURYSM, AORTIC AND CEREBRAL, WITH ARTERIAL TORTUOSITY AND SKELETAL MANIFESTATIONS; TGFB2-Related Loeys-Dietz Syndrome. Identifiers: MedGen C3553762, MONDO:0013897, OMIM 614816.

Submission:

Labcorp Genetics (formerly Invitae), Labcorp
Classification: Uncertain significance for Loeys-Dietz syndrome 4. Last evaluated: 2022-01-06. Review status: criteria provided, single submitter. Criteria: Invitae Variant Classification Sherloc (09022015). Collection method: clinical testing. Allele origin: germline.
Comment: ClinVar contains an entry for this variant (Variation ID: 459272). This variant has not been reported in the literature in individuals affected with TGFB2-related conditions. This variant is not present in population databases (gnomAD no frequency). This sequence change replaces cysteine, which is neutral and slightly polar, with serine, which is neutral and polar, at codon 317 of the TGFB2 protein (p.Cys317Ser). Advanced modeling of protein sequence and biophysical properties (such as structural, functional, and spatial information, amino acid conservation, physicochemical variation, residue mobility, and thermodynamic stability) performed at Invitae indicates that this missense variant is expected to disrupt TGFB2 protein function. In summary, the available evidence is currently insufficient to determine the role of this variant in disease. Therefore, it has been classified as a Variant of Uncertain Significance.

NM_003238.6(TGFB2):c.950G>C (p.Cys317Ser)

Gene: TGFB2 (transforming growth factor beta 2; plus strand). Cytogenetic location: 1q41.
Variant type: single nucleotide variant.
Coding change: c.950G>C on transcript NM_003238.6 (MANE Select); coding-DNA position 950, G replaced by C.
Protein change: p.Cys317Ser; replaces cysteine 317 with serine.
Molecular consequence: missense variant. On other transcripts: non-coding transcript variant (2).
Genome position (GRCh38, 1-based): chr1:218,437,360, G>C. VCF-style: chr1-218437360-G-C. GRCh37 (hg19) VCF-style: chr1-218610702-G-C.
Other names: c.1034G>C, p.Cys345Ser (NM_001135599.4); short protein forms C317S, C345S.
Identifiers: ClinVar variation 459272 (VCV000459272.11), dbSNP rs1553303351, ClinGen allele CA344727427.